The following is an entry in ClinVar:

NM_004341.5(CAD):c.5452C>T (p.Pro1818Ser)

Gene: CAD (carbamoyl-phosphate synthetase 2, aspartate transcarbamylase, and dihydroorotase; plus strand). Cytogenetic location: 2p23.3.
Variant type: single nucleotide variant.
Coding change: c.5452C>T on transcript NM_004341.5 (MANE Select); coding-DNA position 5452, C replaced by T.
Protein change: p.Pro1818Ser; replaces proline 1818 with serine.
Molecular consequence: missense variant.
Genome position (GRCh38, 1-based): chr2:27,239,754, C>T. VCF-style: chr2-27239754-C-T. GRCh37 (hg19) VCF-style: chr2-27462622-C-T.
Other names: c.5263C>T, p.Pro1755Ser (NM_001306079.2); short protein forms P1755S, P1818S.
Identifiers: ClinVar variation 1440926 (VCV001440926.8), dbSNP rs765354634, ClinGen allele CA1573869.

ClinVar aggregate classification (germline): Uncertain significance (1 of 4 stars; one submission).

Allele frequency attached by ClinVar (database versions not stated): gnomAD exomes below 0.00001; ExAC 0.00001.

Submission:

Labcorp Genetics (formerly Invitae), Labcorp
Classification: Uncertain significance. Last evaluated: 2022-12-06. Review status: criteria provided, single submitter. Criteria: Invitae Variant Classification Sherloc (09022015). Collection method: clinical testing. Allele origin: germline.
Comment: In summary, the available evidence is currently insufficient to determine the role of this variant in disease. Therefore, it has been classified as a Variant of Uncertain Significance. Algorithms developed to predict the effect of missense changes on protein structure and function (SIFT, PolyPhen-2, Align-GVGD) all suggest that this variant is likely to be tolerated. ClinVar contains an entry for this variant (Variation ID: 1440926). This variant has not been reported in the literature in individuals affected with CAD-related conditions. The frequency data for this variant in the population databases is considered unreliable, as metrics indicate poor data quality at this position in the gnomAD database. This sequence change replaces proline, which is neutral and non-polar, with serine, which is neutral and polar, at codon 1818 of the CAD protein (p.Pro1818Ser).